The following is an entry in ClinVar:

ClinVar aggregate classification (germline): Uncertain significance. Review status: criteria provided, multiple submitters, no conflicts (2 of 4 stars). 2 submissions from 2 submitters: Uncertain significance (2). Last evaluated 2025-10-08.

Conditions:
Arrhythmogenic right ventricular dysplasia 12. Also called: ARRHYTHMOGENIC RIGHT VENTRICULAR DYSPLASIA, FAMILIAL, 12. Identifiers: MedGen C1969081, MONDO:0012684, OMIM 611528.
Naxos disease (NXD). Also called: KERATOSIS PALMOPLANTARIS WITH ARRHYTHMOGENIC CARDIOMYOPATHY; MAL DE NAXOS; PALMOPLANTAR KERATODERMA WITH ARRHYTHMOGENIC RIGHT VENTRICULAR CARDIOMYOPATHY AND WOOLLY HAIR; WOOLLY HAIR, PALMOPLANTAR KERATODERMA, AND CARDIAC ABNORMALITIES; CARDIOMYOPATHY, ARRHYTHMOGENIC RIGHT VENTRICULAR, WITH SKIN, HAIR, AND NAIL ABNORMALITIES. Identifiers: Orphanet 34217, MedGen C1832600, MONDO:0011017, OMIM 601214.
Cardiovascular phenotype. Identifiers: MedGen CN230736.

Submissions (2):

Labcorp Genetics (formerly Invitae), Labcorp
Classification: Uncertain significance for Arrhythmogenic right ventricular dysplasia 12; Naxos disease. Last evaluated: 2025-10-08. Review status: criteria provided, single submitter. Criteria: Invitae Variant Classification Sherloc (09022015). Collection method: clinical testing. Allele origin: germline.
Comment: This sequence change replaces lysine, which is basic and polar, with glutamic acid, which is acidic and polar, at codon 615 of the JUP protein (p.Lys615Glu). This variant is present in population databases (no rsID available, gnomAD 0.007%). This variant has not been reported in the literature in individuals affected with JUP-related conditions. ClinVar contains an entry for this variant (Variation ID: 3758146). An algorithm developed to predict the effect of missense changes on protein structure and function (PolyPhen-2) suggests that this variant is likely to be disruptive. In summary, the available evidence is currently insufficient to determine the role of this variant in disease. Therefore, it has been classified as a Variant of Uncertain Significance.

Ambry Genetics
Classification: Uncertain significance for Cardiovascular phenotype. Last evaluated: 2025-08-12. Review status: criteria provided, single submitter. Criteria: Ambry Variant Classification Scheme 2023. Collection method: clinical testing. Allele origin: germline.
Comment: The p.K615E variant (also known as c.1843A>G), located in coding exon 10 of the JUP gene, results from an A to G substitution at nucleotide position 1843. The lysine at codon 615 is replaced by glutamic acid, an amino acid with similar properties. This amino acid position is conserved. In addition, the in silico prediction for this alteration is inconclusive. Based on the available evidence, the clinical significance of this variant remains unclear.

NM_002230.4(JUP):c.1843A>G (p.Lys615Glu)

Gene: JUP (junction plakoglobin; minus strand). Cytogenetic location: 17q21.2.
Variant type: single nucleotide variant.
Coding change: c.1843A>G on transcript NM_002230.4 (MANE Select); coding-DNA position 1843, A replaced by G.
Protein change: p.Lys615Glu; replaces lysine 615 with glutamic acid.
Molecular consequence: missense variant.
Genome position (GRCh38, 1-based): chr17:41,757,715, T>C on the plus strand (A>G on the coding strand, the complement: JUP is on the minus strand). VCF-style: chr17-41757715-T-C. GRCh37 (hg19) VCF-style: chr17-39913967-T-C.
Other names: c.1843A>G, p.Lys615Glu (NM_001352773.2, NM_001352774.2, NM_001352775.2 and 3 more transcripts); short protein forms K615E.
Identifiers: ClinVar variation 3758146 (VCV003758146.3).